The following is an entry in ClinVar:

NM_003705.5(SLC25A12):c.1821T>G (p.Ile607Met)

Gene: SLC25A12 (solute carrier family 25 member 12; minus strand). Cytogenetic location: 2q31.1.
Variant type: single nucleotide variant.
Coding change: c.1821T>G on transcript NM_003705.5 (MANE Select); coding-DNA position 1821, T replaced by G.
Protein change: p.Ile607Met; replaces isoleucine 607 with methionine.
Molecular consequence: missense variant. On other transcripts: non-coding transcript variant (1).
Genome position (GRCh38, 1-based): chr2:171,787,585, A>C on the plus strand (T>G on the coding strand, the complement: SLC25A12 is on the minus strand). VCF-style: chr2-171787585-A-C. GRCh37 (hg19) VCF-style: chr2-172644095-A-C.
Other names: short protein forms I607M.
Identifiers: ClinVar variation 2072878 (VCV002072878.4), dbSNP rs2545150730, ClinGen allele CA349287489.

ClinVar aggregate classification (germline): Uncertain significance (1 of 4 stars; one submission).

Allele frequency attached by ClinVar (database versions not stated): gnomAD exomes below 0.00001.
gnomAD v4.1: 3 of 1,613,802 alleles (0.00019%); highest among the groups gnomAD compares: South Asian, 0.0022%; no homozygotes.

Submission:

Labcorp Genetics (formerly Invitae), Labcorp
Classification: Uncertain significance. Last evaluated: 2022-03-18. Review status: criteria provided, single submitter. Criteria: Invitae Variant Classification Sherloc (09022015). Collection method: clinical testing. Allele origin: germline.
Comment: This variant is not present in population databases (gnomAD no frequency). This variant has not been reported in the literature in individuals affected with SLC25A12-related conditions. Algorithms developed to predict the effect of missense changes on protein structure and function are either unavailable or do not agree on the potential impact of this missense change (SIFT: "Deleterious"; PolyPhen-2: "Benign"; Align-GVGD: "Class C0"). In summary, the available evidence is currently insufficient to determine the role of this variant in disease. Therefore, it has been classified as a Variant of Uncertain Significance. This sequence change replaces isoleucine, which is neutral and non-polar, with methionine, which is neutral and non-polar, at codon 607 of the SLC25A12 protein (p.Ile607Met).